The following is an entry in ClinVar:

ClinVar aggregate classification (germline): Uncertain significance (1 of 4 stars; one submission).

Submission:

Labcorp Genetics (formerly Invitae), Labcorp
Classification: Uncertain significance. Last evaluated: 2025-03-30. Review status: criteria provided, single submitter. Criteria: Invitae Variant Classification Sherloc (09022015). Collection method: clinical testing. Allele origin: germline.
Comment: This sequence change replaces histidine, which is basic and polar, with glutamine, which is neutral and polar, at codon 594 of the ROR2 protein (p.His594Gln). This variant is not present in population databases (gnomAD no frequency). This variant has not been reported in the literature in individuals affected with ROR2-related conditions. Invitae Evidence Modeling of protein sequence and biophysical properties (such as structural, functional, and spatial information, amino acid conservation, physicochemical variation, residue mobility, and thermodynamic stability) indicates that this missense variant is not expected to disrupt ROR2 protein function with a negative predictive value of 80%. In summary, the available evidence is currently insufficient to determine the role of this variant in disease. Therefore, it has been classified as a Variant of Uncertain Significance.

NM_004560.4(ROR2):c.1782C>A (p.His594Gln)

Gene: ROR2 (receptor tyrosine kinase like orphan receptor 2; minus strand). Cytogenetic location: 9q22.31.
Variant type: single nucleotide variant.
Coding change: c.1782C>A on transcript NM_004560.4 (MANE Select); coding-DNA position 1782, C replaced by A.
Protein change: p.His594Gln; replaces histidine 594 with glutamine.
Molecular consequence: missense variant.
Genome position (GRCh38, 1-based): chr9:91,724,712, G>T on the plus strand (C>A on the coding strand, the complement: ROR2 is on the minus strand). VCF-style: chr9-91724712-G-T. GRCh37 (hg19) VCF-style: chr9-94486994-G-T.
Other names: short protein forms H594Q.
Identifiers: ClinVar variation 4741512 (VCV004741512.1).